The following is an entry in ClinVar:

ClinVar aggregate classification (germline): Likely pathogenic (1 of 4 stars; one submission).

Conditions:
Hereditary hemorrhagic telangiectasia (HHT). Also called: ORW DISEASE; Osler Weber Rendu syndrome; OSLER-RENDU-WEBER DISEASE; Osler hemorrhagic telangiectasia syndrome. Identifiers: Orphanet 774, MedGen C0039445, MONDO:0019180. Disease mechanism: loss of function.

Submission:

Labcorp Genetics (formerly Invitae), Labcorp
Classification: Likely pathogenic for Hereditary hemorrhagic telangiectasia. Last evaluated: 2021-08-12. Review status: criteria provided, single submitter. Criteria: Invitae Variant Classification Sherloc (09022015). Collection method: clinical testing. Allele origin: germline.
Comment: This variant is a gross deletion of the genomic region encompassing exon(s) 3-8 of the ENG gene. This variant would be expected to be in-frame, preserving the integrity of the reading frame. A similar copy number variant has been observed in individual(s) with probable hereditary hemorrhagic telangiectasia (PMID: 21158752). This variant is also known as c.220-?_1135+?. Experimental studies and prediction algorithms are not available or were not evaluated, and the functional significance of this variant is currently unknown. This variant disrupts the p.Leu221, p.Gly331, and p.Trp149 amino acid residue in ENG. Other variant(s) that disrupt this residue have been determined to be pathogenic (PMID: 9554745, 10545596, 10749981, 15517393, 15880681, 16690726, 19767588, 22991266). This suggests that this residue is clinically significant, and that variants that disrupt this residue are likely to be disease-causing. In summary, the currently available evidence indicates that the variant is pathogenic, but additional data are needed to prove that conclusively. Therefore, this variant has been classified as Likely Pathogenic.

Literature cited by the submitters: PubMed 21158752; PubMed 9554745; PubMed 10545596; PubMed 10749981; PubMed 15517393; PubMed 15880681; PubMed 16690726; PubMed 19767588; PubMed 22991266.

NC_000009.11:g.(?_130586573)_(130592116_?)del

Gene: ENG (endoglin; minus strand). Cytogenetic location: 9q34.11.
Variant type: Deletion.
Identifiers: ClinVar variation 2422377 (VCV002422377.5).